The following is an entry in ClinVar:

ClinVar aggregate classification (germline): Uncertain significance (1 of 4 stars; one submission).

gnomAD v4.1: 3 of 1,586,612 alleles (0.00019%); highest among the groups gnomAD compares: Non-Finnish European, 0.00026%; no homozygotes.

Submission:

GeneDx
Classification: Uncertain significance. Last evaluated: 2023-02-27. Review status: criteria provided, single submitter. Criteria: GeneDx Variant Classification Process June 2021. Collection method: clinical testing. Allele origin: germline. Affected: yes.
Comment: Not observed at significant frequency in large population cohorts (gnomAD); In silico analysis supports that this missense variant has a deleterious effect on protein structure/function; In silico analysis supports a deleterious effect on splicing; Has not been previously published as pathogenic or benign to our knowledge

NM_000435.3(NOTCH3):c.4868C>G (p.Pro1623Arg)

Gene: NOTCH3 (notch receptor 3; minus strand). Cytogenetic location: 19p13.12.
Variant type: single nucleotide variant.
Coding change: c.4868C>G on transcript NM_000435.3 (MANE Select); coding-DNA position 4868, C replaced by G.
Protein change: p.Pro1623Arg; replaces proline 1623 with arginine.
Molecular consequence: missense variant.
Genome position (GRCh38, 1-based): chr19:15,170,694, G>C on the plus strand (C>G on the coding strand, the complement: NOTCH3 is on the minus strand). VCF-style: chr19-15170694-G-C. GRCh37 (hg19) VCF-style: chr19-15281505-G-C.
Other names: short protein forms P1623R.
Identifiers: ClinVar variation 2577765 (VCV002577765.1), dbSNP rs774169388, ClinGen allele CA9262814.